The following is an entry in ClinVar:

ClinVar aggregate classification (germline): Uncertain significance (1 of 4 stars; one submission).

Conditions:
Hereditary cancer-predisposing syndrome. Also called: Hereditary Cancer Syndrome; Hereditary neoplastic syndrome; Tumor predisposition; Neoplastic Syndromes, Hereditary. Identifiers: Orphanet 140162, MedGen C0027672, MeSH D009386, MONDO:0015356.

Submission:

Ambry Genetics
Classification: Uncertain significance for Hereditary cancer-predisposing syndrome. Last evaluated: 2024-12-10. Review status: criteria provided, single submitter. Criteria: Ambry Variant Classification Scheme 2023. Collection method: clinical testing. Allele origin: germline.
Comment: The p.M1056V variant (also known as c.3166A>G), located in coding exon 19 of the ALK gene, results from an A to G substitution at nucleotide position 3166. The methionine at codon 1056 is replaced by valine, an amino acid with highly similar properties. This amino acid position is conserved. In addition, the in silico prediction for this alteration is inconclusive. Based on the available evidence, the clinical significance of this variant remains unclear.

NM_004304.5(ALK):c.3166A>G (p.Met1056Val)

Gene: ALK (ALK receptor tyrosine kinase; minus strand). Cytogenetic location: 2p23.2.
Variant type: single nucleotide variant.
Coding change: c.3166A>G on transcript NM_004304.5 (MANE Select); coding-DNA position 3166, A replaced by G.
Protein change: p.Met1056Val; replaces methionine 1056 with valine.
Molecular consequence: missense variant.
Genome position (GRCh38, 1-based): chr2:29,225,467, T>C on the plus strand (A>G on the coding strand, the complement: ALK is on the minus strand). VCF-style: chr2-29225467-T-C. GRCh37 (hg19) VCF-style: chr2-29448333-T-C.
Other names: short protein forms M1056V.
Identifiers: ClinVar variation 3525451 (VCV003525451.1).